The following is an entry in ClinVar:

ClinVar aggregate classification (germline): Likely benign (0 of 4 stars; one submission).

Conditions:
USP48-related condition.

Submission:

PreventionGenetics, part of Exact Sciences
Classification: Likely benign for USP48-related condition. Last evaluated: 2024-08-20. Review status: no assertion criteria provided. Collection method: clinical testing. Allele origin: germline.
Comment: This variant is classified as likely benign based on ACMG/AMP sequence variant interpretation guidelines (Richards et al. 2015 PMID: 25741868, with internal and published modifications).

NM_032236.8(USP48):c.135-9dup

Gene: USP48 (ubiquitin specific peptidase 48; minus strand). Cytogenetic location: 1p36.12.
Variant type: Duplication.
Coding change: c.135-9dup on transcript NM_032236.8 (MANE Select); 9 bases into the intron before coding-DNA position 135, one base duplicated (T; older notation c.135-9dupT).
Molecular consequence: intron variant.
Genome position (GRCh38, 1-based): chr1:21,757,792, A duplicated on the plus strand (T on the coding strand, the reverse complement: USP48 is on the minus strand); the first of 10 consecutive A bases (chr1:21,757,792-21,757,801); duplicating any one gives the same sequence. VCF-style (leftmost placement, unchanged base first): chr1-21757791-G-GA. GRCh37 (hg19) VCF-style: chr1-22084284-G-GA.
Other names: c.135-9dup (NM_001350164.2, NM_001350166.2, NM_001350167.2 and 3 more transcripts).
Identifiers: ClinVar variation 3352429 (VCV003352429.1).